The following is an entry in ClinVar:

ClinVar aggregate classification (germline): Pathogenic (1 of 4 stars; one submission).

Conditions:
Nephronophthisis 1 (NPHP1). Also called: Nephronophthisis familial juvenile. Identifiers: Orphanet 655, Orphanet 93592, MedGen C1855681, MONDO:0009728, OMIM 256100.

Submission:

MGZ Medical Genetics Center
Classification: Pathogenic for Nephronophthisis 1. Last evaluated: 2022-08-25. Review status: criteria provided, single submitter. Criteria: ACMG Guidelines, 2015. Collection method: clinical testing. Allele origin: germline. Affected: yes. Observed: 1 variant allele.
Comment: ACMG criteria applied: PVS1, PM2_SUP, PM3_SUP

NM_001128178.3(NPHP1):c.480dup (p.Gly161fs)

Gene: NPHP1 (nephrocystin 1; minus strand). Cytogenetic location: 2q13.
Variant type: Duplication.
Coding change: c.480dup on transcript NM_001128178.3 (MANE Select); coding-DNA position 480, one base duplicated (T; older notation c.480dupT).
Protein change: p.Gly161fs; shifts the reading frame from glycine 161.
Molecular consequence: frameshift variant.
Genome position (GRCh38, 1-based): chr2:110,169,848, A duplicated on the plus strand (T on the coding strand, the reverse complement: NPHP1 is on the minus strand); the first of 2 consecutive A bases (chr2:110,169,848-110,169,849); duplicating either gives the same sequence. VCF-style (leftmost placement, unchanged base first): chr2-110169847-C-CA. GRCh37 (hg19) VCF-style: chr2-110927424-C-CA.
Other names: c.480dup, p.Gly161fs (NM_000272.5, NM_001374256.1, NM_001374257.1 and 1 more transcripts); c.294dup, p.Gly99fs (NM_001128179.3); short protein forms G161fs, G99fs.
Identifiers: ClinVar variation 1709559 (VCV001709559.2), dbSNP rs2467403726, ClinGen allele CA2580063733.
Genomic context (GRCh38, chr2:110,169,847, plus strand): 5'-TCAGTCTTATTCTACCTACCTTAAATGTAAGATCTCCAACTTGCTGAGCAGTAAAATCTC[C>CA]AACAGCGATGTATTCTTCACCGGTTGACCATTTGTGAGATTCATTTTCCTCTTTCTCTTC-3'